The following is an entry in ClinVar:

NM_153006.3(NAGS):c.796G>T (p.Ala266Ser)

Gene: NAGS (N-acetylglutamate synthase; plus strand). Cytogenetic location: 17q21.31.
Variant type: single nucleotide variant.
Coding change: c.796G>T on transcript NM_153006.3 (MANE Select); coding-DNA position 796, G replaced by T.
Protein change: p.Ala266Ser; replaces alanine 266 with serine.
Molecular consequence: missense variant.
Genome position (GRCh38, 1-based): chr17:44,006,118, G>T. VCF-style: chr17-44006118-G-T. GRCh37 (hg19) VCF-style: chr17-42083486-G-T.
Other names: short protein forms A266S.
Identifiers: ClinVar variation 2162647 (VCV002162647.1), dbSNP rs902939862, ClinGen allele CA399725521.

ClinVar aggregate classification (germline): Uncertain significance (1 of 4 stars; one submission).

Conditions:
Hyperammonemia, type III (NAGSD). Also called: Hyperammonemia due to N-acetylglutamate synthase deficiency. Identifiers: Orphanet 927, MedGen C0268543, MONDO:0009377, OMIM 237310.

Allele frequency attached by ClinVar (database versions not stated): TOPMed below 0.00001; gnomAD 0.00001.
gnomAD v4.1: 2 of 1,612,864 alleles (0.00012%); highest among the groups gnomAD compares: Non-Finnish European, 0.00017%; no homozygotes.

Submission:

Labcorp Genetics (formerly Invitae), Labcorp
Classification: Uncertain significance for Hyperammonemia, type III. Last evaluated: 2022-06-28. Review status: criteria provided, single submitter. Criteria: Invitae Variant Classification Sherloc (09022015). Collection method: clinical testing. Allele origin: germline.
Comment: This sequence change replaces alanine, which is neutral and non-polar, with serine, which is neutral and polar, at codon 266 of the NAGS protein (p.Ala266Ser). This variant is not present in population databases (gnomAD no frequency). This variant has not been reported in the literature in individuals affected with NAGS-related conditions. Algorithms developed to predict the effect of missense changes on protein structure and function (SIFT, PolyPhen-2, Align-GVGD) all suggest that this variant is likely to be tolerated. In summary, the available evidence is currently insufficient to determine the role of this variant in disease. Therefore, it has been classified as a Variant of Uncertain Significance.